The following is an entry in ClinVar:

NM_002872.5(RAC2):c.187G>A (p.Asp63Asn)

Gene: RAC2 (Rac family small GTPase 2; minus strand). Cytogenetic location: 22q13.1.
Variant type: single nucleotide variant.
Coding change: c.187G>A on transcript NM_002872.5 (MANE Select); coding-DNA position 187, G replaced by A.
Protein change: p.Asp63Asn; replaces aspartic acid 63 with asparagine.
Molecular consequence: missense variant.
Genome position (GRCh38, 1-based): chr22:37,232,839, C>T on the plus strand (G>A on the coding strand, the complement: RAC2 is on the minus strand). VCF-style: chr22-37232839-C-T. GRCh37 (hg19) VCF-style: chr22-37628879-C-T.
Other names: short protein forms D63N.
Identifiers: ClinVar variation 857374 (VCV000857374.11), dbSNP rs1927110250, ClinGen allele CA411443390.

ClinVar aggregate classification (germline): Uncertain significance. Review status: criteria provided, multiple submitters, no conflicts (2 of 4 stars). 2 submissions from 2 submitters: Uncertain significance (2). Last evaluated 2024-11-05.

Conditions:
Neutrophil immunodeficiency syndrome. Also called: Immunodeficiency 73A with defective neutrophil chemotaxis and leukocytosis. Identifiers: Orphanet 183707, MedGen C1842398, MONDO:0011988, OMIM 608203.

Allele frequency attached by ClinVar (database versions not stated): gnomAD exomes below 0.00001.
gnomAD v4.1: 2 of 1,614,064 alleles (0.00012%); highest among the groups gnomAD compares: Non-Finnish European, 0.00017%; no homozygotes.

Submissions (2):

Labcorp Genetics (formerly Invitae), Labcorp
Classification: Uncertain significance for Neutrophil immunodeficiency syndrome. Last evaluated: 2024-11-05. Review status: criteria provided, single submitter. Criteria: Invitae Variant Classification Sherloc (09022015). Collection method: clinical testing. Allele origin: germline.
Comment: This sequence change replaces aspartic acid, which is acidic and polar, with asparagine, which is neutral and polar, at codon 63 of the RAC2 protein (p.Asp63Asn). This variant is not present in population databases (gnomAD no frequency). This variant has not been reported in the literature in individuals affected with RAC2-related conditions. ClinVar contains an entry for this variant (Variation ID: 857374). Invitae Evidence Modeling of protein sequence and biophysical properties (such as structural, functional, and spatial information, amino acid conservation, physicochemical variation, residue mobility, and thermodynamic stability) indicates that this missense variant is expected to disrupt RAC2 protein function with a positive predictive value of 95%. In summary, the available evidence is currently insufficient to determine the role of this variant in disease. Therefore, it has been classified as a Variant of Uncertain Significance.

Blueprint Genetics
Classification: Uncertain significance. Last evaluated: 2021-04-30. Review status: criteria provided, single submitter. Criteria: ACMG Guidelines, 2015. Collection method: clinical testing. Allele origin: germline.